The following is an entry in ClinVar:

NM_000277.3(PAH):c.1123C>G (p.Gln375Glu)

Gene: PAH (phenylalanine hydroxylase; minus strand). Cytogenetic location: 12q23.2.
Variant type: single nucleotide variant.
Coding change: c.1123C>G on transcript NM_000277.3 (MANE Select); coding-DNA position 1123, C replaced by G.
Protein change: p.Gln375Glu; replaces glutamine 375 with glutamic acid.
Molecular consequence: missense variant.
Genome position (GRCh38, 1-based): chr12:102,843,722, G>C on the plus strand (C>G on the coding strand, the complement: PAH is on the minus strand). VCF-style: chr12-102843722-G-C. GRCh37 (hg19) VCF-style: chr12-103237500-G-C.
Other names: c.1123C>G, p.Gln375Glu (NM_001354304.2); c.1123C>G (NM_000277.2); short protein forms Q375E.
Identifiers: ClinVar variation 660581 (VCV000660581.22), dbSNP rs184148104, ClinGen allele CA6748741.

ClinVar aggregate classification (germline): Likely pathogenic. Review status: reviewed by expert panel (3 of 4 stars). 7 submissions from 7 submitters: Likely pathogenic (1). 6 of the submissions do not count toward it. Last evaluated 2020-06-22.

Conditions:
Phenylketonuria (PKU). Also called: FOLLING DISEASE; Phenylketonuria (PKU); Phenylketonurias; OLIGOPHRENIA PHENYLPYRUVICA. Identifiers: Orphanet 716, MedGen C0031485, MONDO:0009861, OMIM 261600. Disease mechanism: loss of function.

Allele frequency attached by ClinVar (database versions not stated): ExAC 0.00003; gnomAD exomes 0.00003; TOPMed 0.00003; 1000 Genomes Project 30x 0.00031; 1000 Genomes Project 0.00040; gnomAD 0.00001.
gnomAD v4.1: 18 of 1,613,582 alleles (0.0011%); highest among the groups gnomAD compares: East Asian, 0.04%; no homozygotes.

Submissions (7):

ClinGen PAH Variant Curation Expert Panel
Classification: Likely pathogenic for Phenylketonuria. Last evaluated: 2020-06-22. Review status: reviewed by expert panel. Criteria: ClinGen PAH ACMG Specifications v1. Collection method: curation. Allele origin: germline. Inheritance: Autosomal recessive inheritance.
Comment: The c.1123C>G (p.Gln375Glu) variant in PAH has been reported in multiple individuals with PAH deficiency (BH4 deficiency excluded, PMID:26503515). It was detected in trans with pathogenic variants: p.Arg243Gln; p.Arg408Trp; EX6-96A＞G (PMID: 28982351); c.977G>A (p.W326*); p.R413P (PMID: 3005010). This variant has an allele frequency in gnomAD (MAF=0.0003808) that is above the PAH VCEP cutoff for pathogenicity (0.0002). Computational evidence is conflicting. In summary, this variant meets criteria to be classified as likely pathogenic for PAH. PAH-specific ACMG/AMP criteria applied: PP4_Moderate, PM3_very-strong.

Otogenetics
Classification: Likely pathogenic for Phenylketonuria. Last evaluated: 2026-02-09. Review status: criteria provided, single submitter. Criteria: ACMG Guidelines, 2015. Collection method: clinical testing. Allele origin: germline. Not counted in ClinVar's aggregate classification.
Comment: PM3_Strong: Variant reported in trans with 5 pathogenic variants in 5 individuals affected with phenylketonuria (PMID: 28982351, 30050108); PM5_Supporting: Likely pathogenic missense amino acid changes occur in same position: c.1125A>C p.Gln375His (PMID: 31102715); PP3: In-silico models predict deleterious effect (Revel = 0.74, BayesDel = 0.32)

Labcorp Genetics (formerly Invitae), Labcorp
Classification: Pathogenic for Phenylketonuria. Last evaluated: 2025-12-21. Review status: criteria provided, single submitter. Criteria: Invitae Variant Classification Sherloc (09022015). Collection method: clinical testing. Allele origin: germline. Not counted in ClinVar's aggregate classification.
Comment: This sequence change replaces glutamine, which is neutral and polar, with glutamic acid, which is acidic and polar, at codon 375 of the PAH protein (p.Gln375Glu). This variant is present in population databases (rs184148104, gnomAD 0.05%). This missense change has been observed in individual(s) with hyperphenylalaninemia (PMID: 28982351, 29499199). ClinVar contains an entry for this variant (Variation ID: 660581). Invitae Evidence Modeling of protein sequence and biophysical properties (such as structural, functional, and spatial information, amino acid conservation, physicochemical variation, residue mobility, and thermodynamic stability) indicates that this missense variant is not expected to disrupt PAH protein function with a negative predictive value of 80%. For these reasons, this variant has been classified as Pathogenic.

Natera, Inc.
Classification: Pathogenic for Phenylketonuria. Last evaluated: 2025-12-11. Review status: criteria provided, single submitter. Criteria: Natera Variant Classification Schema (03/2026). Collection method: clinical testing. Allele origin: germline. Not counted in ClinVar's aggregate classification.
Comment: The c.1123C>G variant in PAH is a missense variant predicted to cause substitution of glutamine to glutamic acid at amino acid 375. This variant is rare in the general population with a frequency below the threshold expected for the associated phenotype(s). This variant has been observed in one or more individuals affected with the associated recessive disease, as either homozygous or compound heterozygous with a second variant (PMID: 28754886, 37004080). Computational prediction algorithms indicate this variant is likely to affect gene or protein function. Given the available evidence, this variant is classified as Pathogenic.

Women's Health and Genetics/Laboratory Corporation of America, LabCorp
Classification: Likely pathogenic for Phenylketonuria. Last evaluated: 2023-03-30. Review status: criteria provided, single submitter. Criteria: LabCorp Variant Classification Summary - May 2015. Collection method: clinical testing. Allele origin: germline. Not counted in ClinVar's aggregate classification.
Comment: Variant summary: PAH c.1123C>G (p.Gln375Glu) results in a conservative amino acid change located in the Aromatic amino acid hydroxylase, C-terminal domain (IPR019774) of the encoded protein sequence. Three of five in-silico tools predict a damaging effect of the variant on protein function. The variant allele was found at a frequency of 2.8e-05 in 251286 control chromosomes. c.1123C>G has been reported in the literature as biallelic compound heterozygous genotypes in individuals affected with Phenylalanine Hydroxylase Deficiency (Phenylketonuria, PKU) of varying severity from mild hyperphenylalaninaemia (MHP) to classic PKU (example, Liu_2017, Li_2018). These data indicate that the variant is likely to be associated with disease. To our knowledge, no experimental evidence demonstrating an impact on protein function has been reported. Three clinical diagnostic laboratories have submitted clinical-significance assessments for this variant to ClinVar after 2014 without evidence for independent evaluation. All laboratories classified the variant as pathogenic/likely pathogenic. Based on the evidence outlined above, the variant was classified as likely pathogenic.

Myriad Genetics, Inc.
Classification: Likely pathogenic for Phenylketonuria. Last evaluated: 2021-11-09. Review status: criteria provided, single submitter. Criteria: Myriad Women's Health Autosomal Recessive and X-Linked Classification Criteria (2021). Collection method: clinical testing. Allele origin: unknown. Not counted in ClinVar's aggregate classification.
Comment: NM_000277.1(PAH):c.1123C>G(Q375E) is a missense variant classified as likely pathogenic in the context of phenylalanine hydroxylase deficiency. The Q375E variant can be associated with any form of this disease. Q375E has been observed in cases with relevant disease (PMID: 30050108, 29499199, 28982351, 30747360, 33803550, 31737040, Chen_2015_(no PMID; article)). Functional assessments of this variant are not available in the literature. Q375E has been observed in population frequency databases (gnomAD: EAS 0.04%). In summary, NM_000277.1(PAH):c.1123C>G(Q375E) is a missense variant that has been observed more frequently in cases with the relevant disease than in healthy populations. Please note: this variant was assessed in the context of healthy population screening.

Juno Genomics, Hangzhou Juno Genomics, Inc
Classification: Pathogenic for Phenylketonuria. Review status: criteria provided, single submitter. Criteria: ACMG Guidelines, 2015. Collection method: clinical testing. Allele origin: germline. Not counted in ClinVar's aggregate classification.
Comment: For recessive disorders, detected in trans with a pathogenic variant.;Patient's phenotype or family history is highly specific for a disease with a single genetic etiology.

Literature cited by the submitters: PubMed 26503515 (cited by ClinGen PAH Variant Curation Expert Panel); PubMed 28982351 (cited by 4 submitters); PubMed 30050108 (cited by 3 submitters); PubMed 31102715 (cited by Otogenetics); PubMed 29499199 (cited by 3 submitters); PubMed 28754886 (cited by Natera, Inc.); PubMed 37004080 (cited by Natera, Inc.); PubMed 35193651 (cited by Women's Health and Genetics/Laboratory Corporation of America, LabCorp); PubMed 30747360 (cited by Myriad Genetics, Inc.); PubMed 33803550 (cited by Myriad Genetics, Inc.); PubMed 31737040 (cited by Myriad Genetics, Inc.).